The following is an entry in ClinVar:

NM_001715.3(BLK):c.*92G>C

Gene: BLK (BLK proto-oncogene, Src family tyrosine kinase). Cytogenetic location: 8p23.1.
Variant type: single nucleotide variant.
Coding change: c.*92G>C on transcript NM_001715.3 (MANE Select); 92 bases downstream of the stop codon, G replaced by C.
Molecular consequence: 3 prime UTR variant.
Genome position (GRCh38, 1-based): chr8:11,564,200, G>C. VCF-style: chr8-11564200-G-C. GRCh37 (hg19) VCF-style: chr8-11421709-G-C.
Other names: c.*92G>C (NM_001330465.2).
Identifiers: ClinVar variation 361498 (VCV000361498.8), dbSNP rs14053, ClinGen allele CA10624632.
Genomic context (GRCh38, chr8:11,564,200, plus strand): 5'-CTCTGCGCGGACGACCCCGACTTCCGTGCCATCCCAGACGGGCCGCGAAGGCGGGGTGTC[G>C]CCTGTGCCCTTTTCTCAGACCCGGAATCCAGTGGGCAGAGGCAGCTTCGCAGGGGGTCCC-3'

ClinVar aggregate classification (germline): Benign. Review status: criteria provided, multiple submitters, no conflicts (2 of 4 stars). 4 submissions from 4 submitters: Benign (4). Last evaluated 2018-09-04.

Conditions:
Maturity-onset diabetes of the young type 11. Identifiers: Orphanet 552, MedGen C3150618, MONDO:0013242, OMIM 613375.
Systemic lupus erythematosus (SLE). Identifiers: Orphanet 536, MedGen C0024141, MONDO:0007915, OMIM 152700, HP:0002725.

Allele frequency attached by ClinVar (database versions not stated): gnomAD exomes 0.00882; gnomAD 0.04341 and 0.04621; TOPMed 0.04882; 1000 Genomes Project 30x 0.04997; 1000 Genomes Project 0.05012.
gnomAD v4.1: 18,099 of 1,427,282 alleles (1.3%); highest among the groups gnomAD compares: African/African-American, 14%; 790 homozygotes.

Submissions (4):

GeneDx
Classification: Benign. Last evaluated: 2018-09-04. Review status: criteria provided, single submitter. Criteria: GeneDx Variant Classification Process June 2021. Collection method: clinical testing. Allele origin: germline. Affected: yes.

Illumina Laboratory Services, Illumina
Classification: Benign for Maturity-onset diabetes of the young type 11. Last evaluated: 2018-01-13. Review status: criteria provided, single submitter. Criteria: ICSL Variant Classification Criteria 13 December 2019. Collection method: clinical testing. Allele origin: germline.
Comment: This variant was observed in the ICSL laboratory as part of a predisposition screen in an ostensibly healthy population. It had not been previously curated by ICSL or reported in the Human Gene Mutation Database (HGMD: prior to June 1st, 2018), and was therefore a candidate for classification through an automated scoring system. Utilizing variant allele frequency, disease prevalence and penetrance estimates, and inheritance mode, an automated score was calculated to assess if this variant is too frequent to cause the disease. Based on the score and internal cut-off values, a variant classified as benign is not then subjected to further curation. The score for this variant resulted in a classification of benign for this disease.

Breakthrough Genomics
Classification: Benign. Review status: criteria provided, single submitter. Criteria: ACMG Guidelines, 2015. Collection method: not provided. Allele origin: germline. Inheritance: Autosomal dominant inheritance. Affected: yes.

Clinical Genomics, Uppaluri K&H Personalized Medicine Clinic
Classification: Benign for Systemic lupus erythematosus. Review status: criteria provided, single submitter. Criteria: K & H Uppaluri Personalized Medicine Clinic Variant Classification & Assertion Criteria_Updated V.1. Collection method: research. Allele origin: unknown.
Comment: BLK gene is associated with Systemic lupus erythematosus, sjogren's syndrome and other systemic inflammatory conditions. However no sufficient evidence is found to ascertain the role of this particular variant rs14053, yet.

Literature cited by the submitters: PubMed 32313195 (cited by Clinical Genomics, Uppaluri K&H Personalized Medicine Clinic); PubMed 19667185 (cited by Clinical Genomics, Uppaluri K&H Personalized Medicine Clinic); PubMed 18204098 (cited by Clinical Genomics, Uppaluri K&H Personalized Medicine Clinic); PubMed 24023612 (cited by Clinical Genomics, Uppaluri K&H Personalized Medicine Clinic); PubMed 31670388 (cited by Clinical Genomics, Uppaluri K&H Personalized Medicine Clinic).